The following is an entry in ClinVar:

ClinVar aggregate classification (germline): Uncertain significance (1 of 4 stars; one submission).

Conditions:
Gorlin syndrome. Also called: Nevoid Basal Cell Carcinoma Syndrome; Basal cell nevus syndrome. Identifiers: Orphanet 377, MedGen C0004779, MONDO:0007187.
Medulloblastoma (MDB). Also called: Medulloblastoma, somatic; MEDULLOBLASTOMA PREDISPOSITION SYNDROME. Identifiers: Orphanet 616, MedGen C0025149, MeSH D008527, MONDO:0007959, OMIM 155255, HP:0002885.

Submission:

Labcorp Genetics (formerly Invitae), Labcorp
Classification: Uncertain significance for Gorlin syndrome; Medulloblastoma. Last evaluated: 2022-06-13. Review status: criteria provided, single submitter. Criteria: Invitae Variant Classification Sherloc (09022015). Collection method: clinical testing. Allele origin: germline.
Comment: In summary, the available evidence is currently insufficient to determine the role of this variant in disease. Therefore, it has been classified as a Variant of Uncertain Significance. Experimental studies and prediction algorithms are not available or were not evaluated, and the functional significance of this variant is currently unknown. This variant has not been reported in the literature in individuals affected with SUFU-related conditions. Information on the frequency of this variant in the gnomAD database is not available, as this variant may be reported differently in the database. This variant, c.1263_1264delinsTT, is a complex sequence change that results in the deletion of 2 and insertion of 2 amino acid(s) in the SUFU protein (p.Glu421_His422delinsAspTyr).

NM_016169.4(SUFU):c.1263_1264delinsTT (p.Glu421_His422delinsAspTyr)

Gene: SUFU (SUFU negative regulator of hedgehog signaling; plus strand). Cytogenetic location: 10q24.32.
Variant type: Indel.
Coding change: c.1263_1264delinsTT on transcript NM_016169.4 (MANE Select); coding-DNA positions 1263 to 1264, GC replaced by TT.
Protein change: p.Glu421_His422delinsAspTyr.
Molecular consequence: missense variant.
Genome position (GRCh38, 1-based): chr10:102,617,395-102,617,396, GC replaced by TT. VCF-style: chr10-102617395-GC-TT. GRCh37 (hg19) VCF-style: chr10-104377152-GC-TT.
Other names: c.1263_1264delinsTT, p.Glu421_His422delinsAspTyr (NM_001178133.2).
Identifiers: ClinVar variation 2081680 (VCV002081680.4), dbSNP rs2492790571, ClinGen allele CA2580081232.